The following is an entry in ClinVar:

ClinVar aggregate classification (germline): Benign/Likely benign. Review status: criteria provided, multiple submitters, no conflicts (2 of 4 stars). 10 submissions from 10 submitters: Benign (5); Likely benign (2). 3 of the submissions do not count toward it. Last evaluated 2026-01-25.

Conditions:
Left ventricular noncompaction 8 (LVNC8). Identifiers: Orphanet 154, Orphanet 54260, MedGen C3809288, MONDO:0014152, OMIM 615373.
PRDM16-related disorder. Also called: PRDM16-related condition.

Allele frequency attached by ClinVar (database versions not stated): gnomAD exomes 0.00017 and 0.00040; ExAC 0.00043; gnomAD 0.00160 and 0.00167; ESP Exome Variant Server 0.00179; 1000 Genomes Project 0.00180; TOPMed 0.00187; 1000 Genomes Project 30x 0.00234.
gnomAD v4.1: 515 of 1,597,878 alleles (0.032%); highest among the groups gnomAD compares: African/African-American, 0.58%; 4 homozygotes.

Submissions (10):

Labcorp Genetics (formerly Invitae), Labcorp
Classification: Benign for Left ventricular noncompaction 8. Last evaluated: 2026-01-25. Review status: criteria provided, single submitter. Criteria: Invitae Variant Classification Sherloc (09022015). Collection method: clinical testing. Allele origin: germline.

ARUP Laboratories, Molecular Genetics and Genomics, ARUP Laboratories
Classification: Likely benign. Last evaluated: 2025-03-31. Review status: criteria provided, single submitter. Criteria: ARUP Molecular Germline Variant Investigation Process 2024. Collection method: clinical testing. Allele origin: germline.

Women's Health and Genetics/Laboratory Corporation of America, LabCorp
Classification: Benign. Last evaluated: 2024-12-23. Review status: criteria provided, single submitter. Criteria: LabCorp Variant Classification Summary - May 2015. Collection method: clinical testing. Allele origin: germline.

Blueprint Genetics
Classification: Likely benign. Last evaluated: 2024-10-08. Review status: criteria provided, single submitter. Criteria: ACMG Guidelines, 2015. Collection method: clinical testing. Allele origin: germline.

GeneDx
Classification: Benign. Last evaluated: 2017-02-15. Review status: criteria provided, single submitter. Criteria: GeneDx Variant Classification (06012015). Collection method: clinical testing. Allele origin: germline. Affected: yes.
Comment: This variant is considered likely benign or benign based on one or more of the following criteria: it is a conservative change, it occurs at a poorly conserved position in the protein, it is predicted to be benign by multiple in silico algorithms, and/or has population frequency not consistent with disease.

Laboratory for Molecular Medicine, Mass General Brigham Personalized Medicine
Classification: Benign. Last evaluated: 2014-11-24. Review status: criteria provided, single submitter. Criteria: LMM Criteria. Collection method: clinical testing. Allele origin: germline. Observed: 1 variant allele.
Comment: Cys396Cys in exon 9 of PRDM16: This variant is not expected to have clinical sig nificance because it does not alter an amino acid residue and is not located wit hin the splice consensus sequence. It has been identified in 0.5% (23/4298) of A frican American chromosomes from a broad population by the NHLBI Exome Sequencin g Project.

Breakthrough Genomics
Classification: Benign. Review status: criteria provided, single submitter. Criteria: ACMG Guidelines, 2015. Collection method: not provided. Allele origin: germline. Inheritance: Autosomal dominant inheritance. Affected: yes.

PreventionGenetics, part of Exact Sciences
Classification: Benign for PRDM16-related condition. Last evaluated: 2019-03-26. Review status: no assertion criteria provided. Collection method: clinical testing. Allele origin: germline. Not counted in ClinVar's aggregate classification.
Comment: This variant is classified as benign based on ACMG/AMP sequence variant interpretation guidelines (Richards et al. 2015 PMID: 25741868, with internal and published modifications).

Clinical Genetics DNA and cytogenetics Diagnostics Lab, Erasmus MC, Erasmus Medical Center
Classification: Likely benign. Review status: no assertion criteria provided. Collection method: clinical testing. Allele origin: germline. Affected: yes. Study: VKGL Data-share Consensus. Not counted in ClinVar's aggregate classification.

Clinical Genetics, Academic Medical Center
Classification: Benign. Review status: no assertion criteria provided. Collection method: clinical testing. Allele origin: germline. Affected: yes. Study: VKGL Data-share Consensus. Not counted in ClinVar's aggregate classification.

NM_022114.4(PRDM16):c.1188T>C (p.Cys396=)

Gene: PRDM16 (PR/SET domain 16; plus strand). Cytogenetic location: 1p36.32.
Variant type: single nucleotide variant.
Coding change: c.1188T>C on transcript NM_022114.4 (MANE Select); coding-DNA position 1188, T replaced by C.
Protein change: p.Cys396=; no amino-acid change (cysteine 396 retained).
Molecular consequence: synonymous variant.
Genome position (GRCh38, 1-based): chr1:3,411,385, T>C. VCF-style: chr1-3411385-T-C. GRCh37 (hg19) VCF-style: chr1-3327949-T-C.
Other names: c.1188T>C, p.Cys396= (NM_199454.3).
Identifiers: ClinVar variation 474402 (VCV000474402.25), dbSNP rs201309284, ClinGen allele CA544141.